The following is an entry in ClinVar:

ClinVar aggregate classification (germline): Uncertain significance. Review status: criteria provided, multiple submitters, no conflicts (2 of 4 stars). 3 submissions from 3 submitters: Uncertain significance (3). Last evaluated 2024-01-18.

Allele frequency attached by ClinVar (database versions not stated): gnomAD 0.00003; TOPMed 0.00005; gnomAD exomes 0.00007 and 0.00011; ExAC 0.00010; 1000 Genomes Project 0.00020; 1000 Genomes Project 30x 0.00031.
gnomAD v4.1: 101 of 1,608,524 alleles (0.0063%); highest among the groups gnomAD compares: Admixed American, 0.045%; no homozygotes.

Submissions (3):

GeneDx
Classification: Uncertain significance. Last evaluated: 2024-01-18. Review status: criteria provided, single submitter. Criteria: GeneDx Variant Classification Process June 2021. Collection method: clinical testing. Allele origin: germline. Affected: yes.
Comment: In silico analysis supports that this missense variant has a deleterious effect on protein structure/function; Has not been previously published as pathogenic or benign to our knowledge

Labcorp Genetics (formerly Invitae), Labcorp
Classification: Uncertain significance. Last evaluated: 2022-08-16. Review status: criteria provided, single submitter. Criteria: Invitae Variant Classification Sherloc (09022015). Collection method: clinical testing. Allele origin: germline.
Comment: In summary, the available evidence is currently insufficient to determine the role of this variant in disease. Therefore, it has been classified as a Variant of Uncertain Significance. Algorithms developed to predict the effect of missense changes on protein structure and function are either unavailable or do not agree on the potential impact of this missense change (SIFT: "Deleterious"; PolyPhen-2: "Probably Damaging"; Align-GVGD: "Class C0"). ClinVar contains an entry for this variant (Variation ID: 229301). This variant has not been reported in the literature in individuals affected with TECTA-related conditions. This variant is present in population databases (rs201860044, gnomAD 0.07%). This sequence change replaces threonine, which is neutral and polar, with methionine, which is neutral and non-polar, at codon 1366 of the TECTA protein (p.Thr1366Met).

Laboratory for Molecular Medicine, Mass General Brigham Personalized Medicine
Classification: Uncertain significance. Last evaluated: 2016-02-28. Review status: criteria provided, single submitter. Criteria: LMM Criteria. Collection method: clinical testing. Allele origin: germline. Observed: 2 variant alleles.
Comment: The p.Thr1366Met variant in TECTA has not been previously reported in individual s with hearing loss, but has been identified in 0.1% (10/11376) of Latino chromo somes by the Exome Aggregation Consortium (ExAC; dbSNP rs201860044). Computational prediction tools and conservation analysis su ggest that the p.Thr1366Met variant may impact the protein, though this informat ion is not predictive enough to determine pathogenicity. In summary, the clinica l significance of the p.Thr1366Met variant is uncertain.

NM_005422.4(TECTA):c.4097C>T (p.Thr1366Met)

Genes: TBCEL-TECTA (TBCEL-TECTA readthrough; plus strand), TECTA (tectorin alpha; plus strand). Cytogenetic location: 11q23.3.
Variant type: single nucleotide variant.
Coding change: c.4097C>T on transcript NM_005422.4 (MANE Select); coding-DNA position 4097, C replaced by T.
Protein change: p.Thr1366Met; replaces threonine 1366 with methionine.
Molecular consequence: missense variant.
Genome position (GRCh38, 1-based): chr11:121,146,108, C>T. VCF-style: chr11-121146108-C-T. GRCh37 (hg19) VCF-style: chr11-121016817-C-T.
Other names: c.5054C>T, p.Thr1685Met (NM_001378761.1); short protein forms T1366M, T1685M.
Identifiers: ClinVar variation 229301 (VCV000229301.12), dbSNP rs201860044, ClinGen allele CA6327353.